The following is an entry in ClinVar:

ClinVar aggregate classification (germline): Conflicting classifications of pathogenicity. Review status: criteria provided, conflicting classifications (1 of 4 stars). 2 submissions from 2 submitters: Uncertain significance (1); Likely benign (1). Last evaluated 2025-11-06.

Conditions:
Neurodevelopmental disorder with hypotonia, dysmorphic facies, and skeletal anomalies, with or without seizures (NEDFSS). Also called: TRPM3-Related Neurodevelopmental Disorder. Identifiers: MedGen C5830244, MONDO:0859365, OMIM 620224.
Inborn genetic diseases. Identifiers: MedGen C0950123, MeSH D030342.

gnomAD v4.1: 353 of 1,614,052 alleles (0.022%); highest among the groups gnomAD compares: African/African-American, 0.32%; no homozygotes.

Submissions (2):

Dasa
Classification: Likely benign for neurodevelopmental disorder with hypotonia, dysmorphic facies, and skeletal anomalies, with or without seizures. Last evaluated: 2025-11-06. Review status: criteria provided, single submitter. Criteria: DASA Assertion Criteria. Collection method: clinical testing. Allele origin: germline.
Comment: NM_001366145.2(TRPM3):c.2548G>A (p.Gly850Arg) is a missense variant that results in the substitution of glycine with arginine. Population frequency is inconsistent with a disease-causing role for this variant. Therefore, based on the currently available evidence, this variant is classified as likely benign.

Ambry Genetics
Classification: Uncertain significance for Inborn genetic diseases. Last evaluated: 2025-03-27. Review status: criteria provided, single submitter. Criteria: Ambry Variant Classification Scheme 2023. Collection method: clinical testing. Allele origin: germline.

NM_001366145.2(TRPM3):c.2548G>A (p.Gly850Arg)

Gene: TRPM3 (transient receptor potential cation channel subfamily M member 3; minus strand). Cytogenetic location: 9q21.12.
Variant type: single nucleotide variant.
Coding change: c.2548G>A on transcript NM_001366145.2 (MANE Select); coding-DNA position 2548, G replaced by A.
Protein change: p.Gly850Arg; replaces glycine 850 with arginine.
Molecular consequence: missense variant.
Genome position (GRCh38, 1-based): chr9:70,610,728, C>T on the plus strand (G>A on the coding strand, the complement: TRPM3 is on the minus strand). VCF-style: chr9-70610728-C-T. GRCh37 (hg19) VCF-style: chr9-73225644-C-T.
Other names: c.2554G>A, p.Gly852Arg (NM_001366142.2); c.2518G>A, p.Gly840Arg (NM_001366143.2, NM_001366149.2, NM_001366141.2); c.2548G>A, p.Gly850Arg (NM_001366146.2); c.2623G>A, p.Gly875Arg (NM_001366147.2, NM_001366152.2); c.2593G>A, p.Gly865Arg (NM_001366148.2); c.2482G>A, p.Gly828Arg (NM_001366150.2); c.2512G>A, p.Gly838Arg (NM_001366151.2, NM_001007471.4); c.2089G>A, p.Gly697Arg (NM_001366154.2, NM_024971.7); and 5 more; short protein forms G850R, G852R, G710R, G675R, G700R, G840R, G865R, G875R.
Identifiers: ClinVar variation 3974231 (VCV003974231.3).